The following is an entry in ClinVar:

ClinVar aggregate classification (germline): Conflicting classifications of pathogenicity. Review status: criteria provided, conflicting classifications (1 of 4 stars). 4 submissions from 4 submitters: Likely pathogenic (1); Uncertain significance (3). Last evaluated 2025-12-06.

Conditions:
Ehlers-Danlos syndrome, classic type, 1 (EDSCL1). Also called: Ehlers-Danlos syndrome, type 1; Ehlers-Danlos Syndrome, Classic Type, COL5A1-Related; EDS I; EHLERS-DANLOS SYNDROME, GRAVIS TYPE; EHLERS-DANLOS SYNDROME, SEVERE CLASSIC TYPE. Identifiers: MedGen C0268335, MONDO:0019567, OMIM 130000.
Familial thoracic aortic aneurysm and aortic dissection (TAAD). Also called: Thoracic aortic aneurysms and dissections. Identifiers: Orphanet 91387, MedGen C4707243, MONDO:0019625.

Allele frequency attached by ClinVar (database versions not stated): ExAC 0.00002; gnomAD exomes 0.00001; TOPMed 0.00002; 1000 Genomes Project 0.00020; gnomAD 0.00004; 1000 Genomes Project 30x 0.00016.
gnomAD v4.1: 26 of 1,612,932 alleles (0.0016%); highest among the groups gnomAD compares: Non-Finnish European, 0.002%; 1 homozygote.

Submissions (4):

Labcorp Genetics (formerly Invitae), Labcorp
Classification: Uncertain significance for Ehlers-Danlos syndrome, classic type, 1. Last evaluated: 2025-12-06. Review status: criteria provided, single submitter. Criteria: Invitae Variant Classification Sherloc (09022015). Collection method: clinical testing. Allele origin: germline.
Comment: This sequence change replaces glycine, which is neutral and non-polar, with serine, which is neutral and polar, at codon 1459 of the COL5A1 protein (p.Gly1459Ser). This variant is present in population databases (rs183114696, gnomAD 0.002%). This variant has not been reported in the literature in individuals affected with COL5A1-related conditions. ClinVar contains an entry for this variant (Variation ID: 863028). Invitae Evidence Modeling of protein sequence and biophysical properties (such as structural, functional, and spatial information, amino acid conservation, physicochemical variation, residue mobility, and thermodynamic stability) indicates that this missense variant is expected to disrupt COL5A1 protein function with a positive predictive value of 95%. This variant disrupts the triple helix domain of COL5A1. Glycine residues within the Gly-Xaa-Yaa repeats of the triple helix domain are required for the structure and stability of fibrillar collagens (PMID: 7695699, 8218237, 19344236), and variants at these glycine residues in COL5A1 are more frequently observed in individuals with disease than in the general population (PMID: 22696272, 23587214). However, the clinical significance of this observation remains uncertain since only a limited number of affected individuals have been described to date. In summary, the available evidence is currently insufficient to determine the role of this variant in disease. Therefore, it has been classified as a Variant of Uncertain Significance.

Mayo Clinic Laboratories, Mayo Clinic
Classification: Likely pathogenic. Last evaluated: 2025-07-08. Review status: criteria provided, single submitter. Criteria: ACMG Guidelines, 2015. Collection method: clinical testing. Allele origin: germline. Observed: 1 variant allele.
Comment: PP3_moderate, PM1_strong

Ambry Genetics
Classification: Uncertain significance for Familial thoracic aortic aneurysm and aortic dissection. Last evaluated: 2025-06-18. Review status: criteria provided, single submitter. Criteria: Ambry Variant Classification Scheme 2023. Collection method: clinical testing. Allele origin: germline.
Comment: The p.G1459S variant (also known as c.4375G>A), located in coding exon 56 of the COL5A1 gene, results from a G to A substitution at nucleotide position 4375. The glycine at codon 1459 is replaced by serine, an amino acid with similar properties. Internal structural analysis indicates that this alteration disrupts the characteristic G-X-Y motif of the triple helical domain in the COL5A1 protein and inserts a bulky side chain into a sterically-constrained region (Bella J et al.Science.1994;266:75-81; Hohenester E et al.Proc. Natl.Acad. Sci.U.S.A.2008;105:18273-7; Ambry internal data). Glycine substitutions in the triple helical domain of COL5A1 have been reported in association with classic Ehlers-Danlos syndrome (cEDS), but the number of affected individuals is limited and several other COL5A1 glycine substitutions in the triple helical domain (e.g., p.G1078A and p.G1414A) are too common for disease in population databases (Symoens S et al.Hum. Mutat., 2012 Oct;33:1485-93; Ritelli M et al.Orphanet J Rare Dis.2013 Apr;8:58). This amino acid position is highly conserved in available vertebrate species. In addition, this alteration is predicted to be deleterious by in silico analysis. Based on the available evidence, the clinical significance of this variant remains unclear.

AiLife Diagnostics
Classification: Uncertain significance. Last evaluated: 2022-02-25. Review status: criteria provided, single submitter. Criteria: ACMG Guidelines, 2015. Collection method: clinical testing. Allele origin: germline. Affected: yes. Observed: 1 variant allele.

Literature cited by the submitters: PubMed 7695699 (cited by Labcorp Genetics (formerly Invitae), Labcorp); PubMed 8218237 (cited by Labcorp Genetics (formerly Invitae), Labcorp); PubMed 19344236 (cited by Labcorp Genetics (formerly Invitae), Labcorp); PubMed 22696272 (cited by Labcorp Genetics (formerly Invitae), Labcorp); PubMed 23587214 (cited by Labcorp Genetics (formerly Invitae), Labcorp).

NM_000093.5(COL5A1):c.4375G>A (p.Gly1459Ser)

Gene: COL5A1 (collagen type V alpha 1 chain; plus strand). Cytogenetic location: 9q34.3.
Variant type: single nucleotide variant.
Coding change: c.4375G>A on transcript NM_000093.5 (MANE Select); coding-DNA position 4375, G replaced by A.
Protein change: p.Gly1459Ser; replaces glycine 1459 with serine.
Molecular consequence: missense variant.
Genome position (GRCh38, 1-based): chr9:134,818,884, G>A. VCF-style: chr9-134818884-G-A. GRCh37 (hg19) VCF-style: chr9-137710730-G-A.
Other names: p.Gly1459Ser; c.4375G>A (NM_000093.3); c.4375G>A, p.Gly1459Ser (NM_001278074.1); short protein forms G1459S.
Identifiers: ClinVar variation 863028 (VCV000863028.14), dbSNP rs183114696, ClinGen allele CA5320260.